The following is an entry in ClinVar:

ClinVar aggregate classification (germline): Pathogenic (1 of 4 stars; one submission).

Conditions:
Ataxia-telangiectasia syndrome (AT). Also called: LOUIS-BAR SYNDROME; ATAXIA-TELANGIECTASIA, COMPLEMENTATION GROUP A; ATAXIA-TELANGIECTASIA, FRESNO VARIANT; Ataxia-telangiectasia, complementation group D; AT, COMPLEMENTATION GROUP C; Ataxia-telangiectasia. Identifiers: Orphanet 100, MedGen C0004135, MONDO:0008840, OMIM 208900.

Submission:

Labcorp Genetics (formerly Invitae), Labcorp
Classification: Pathogenic for Ataxia-telangiectasia syndrome. Last evaluated: 2025-01-19. Review status: criteria provided, single submitter. Criteria: Invitae Variant Classification Sherloc (09022015). Collection method: clinical testing. Allele origin: germline.
Comment: This sequence change creates a premature translational stop signal (p.Ser367Leufs*23) in the ATM gene. It is expected to result in an absent or disrupted protein product. Loss-of-function variants in ATM are known to be pathogenic (PMID: 23807571, 25614872). This variant is not present in population databases (gnomAD no frequency). This variant has not been reported in the literature in individuals affected with ATM-related conditions. For these reasons, this variant has been classified as Pathogenic.

Literature cited by the submitters: PubMed 23807571; PubMed 25614872.

NM_000051.4(ATM):c.1099del (p.Ser367fs)

Gene: ATM (ATM serine/threonine kinase; plus strand). Cytogenetic location: 11q22.3.
Variant type: Deletion.
Coding change: c.1099del on transcript NM_000051.4 (MANE Select); coding-DNA position 1099, one base deleted (T; older notation c.1099delT).
Protein change: p.Ser367fs; shifts the reading frame from serine 367.
Molecular consequence: frameshift variant.
Genome position (GRCh38, 1-based): chr11:108,248,966, T deleted; the last of 3 consecutive T bases (chr11:108,248,964-108,248,966); deleting any one gives the same sequence. VCF-style (leftmost placement, unchanged base first): chr11-108248963-AT-A. GRCh37 (hg19) VCF-style: chr11-108119690-AT-A.
Other names: c.1099del, p.Ser367fs (NM_001351834.2); short protein forms S367fs.
Identifiers: ClinVar variation 3667680 (VCV003667680.2).
Genomic context (GRCh38, chr11:108,248,963, plus strand): 5'-GAAAAAAGTGGATTTATTTTTATTTTACAGGTTTTTAATGAAGATACCAGATCCTTGGAG[AT>A]TTCTCAATCTTACACTACTACACAAAGAGAATCTAGTGATTACAGTGTCCCTTGCAAAAG-3'